The following is an entry in ClinVar:

ClinVar aggregate classification (germline): Uncertain significance. Review status: criteria provided, multiple submitters, no conflicts (2 of 4 stars). 4 submissions from 4 submitters: Uncertain significance (4). Last evaluated 2025-08-26.

Conditions:
Cardiovascular phenotype. Identifiers: MedGen CN230736.
Cardiomyopathy (CMYO). Also called: Cardiomyopathies. Identifiers: Orphanet 167848, MedGen C0878544, MONDO:0004994, HP:0001638. Inheritance: Various modes of inheritance.
Hypertrophic cardiomyopathy. Also called: HYPERTROPHIC MYOCARDIOPATHY. Identifiers: Orphanet 217569, MedGen C0007194, MeSH D002312, MONDO:0005045, HP:0001639.

Submissions (4):

Ambry Genetics
Classification: Uncertain significance for Cardiovascular phenotype. Last evaluated: 2025-08-26. Review status: criteria provided, single submitter. Criteria: Ambry Variant Classification Scheme 2023. Collection method: clinical testing. Allele origin: germline.

Color Diagnostics, LLC DBA Color Health
Classification: Uncertain significance for Cardiomyopathy. Last evaluated: 2025-07-17. Review status: criteria provided, single submitter. Criteria: ACMG Guidelines, 2015. Collection method: clinical testing. Allele origin: germline.
Comment: This missense variant replaces threonine with arginine at codon 165 of the MYL3 protein. Computational prediction suggests that this variant may not impact protein structure and function. To our knowledge, functional studies have not been reported for this variant. This variant has not been reported in individuals affected with MYL3-related disorders in the literature. This variant has not been identified in the general population by the Genome Aggregation Database (gnomAD). The available evidence is insufficient to determine the role of this variant in disease conclusively. Therefore, this variant is classified as a Variant of Uncertain Significance.

All of Us Research Program, National Institutes of Health
Classification: Uncertain significance for Hypertrophic cardiomyopathy. Last evaluated: 2023-03-04. Review status: criteria provided, single submitter. Criteria: ACMG Guidelines, 2015. Collection method: clinical testing. Allele origin: germline. Inheritance: Autosomal dominant inheritance. Observed: 1 variant allele, 1 heterozygote.
Comment: This study involves interpretation of variants in research participants for the purpose of population health screening. Participant phenotype was not available at the time of variant classification. Additional details can be found in publication PMID: 35346344, PMCID: PMC8962531

Labcorp Genetics (formerly Invitae), Labcorp
Classification: Uncertain significance for Hypertrophic cardiomyopathy. Last evaluated: 2022-03-01. Review status: criteria provided, single submitter. Criteria: Invitae Variant Classification Sherloc (09022015). Collection method: clinical testing. Allele origin: germline.
Comment: In summary, the available evidence is currently insufficient to determine the role of this variant in disease. Therefore, it has been classified as a Variant of Uncertain Significance. Algorithms developed to predict the effect of missense changes on protein structure and function are either unavailable or do not agree on the potential impact of this missense change (SIFT: "Deleterious"; PolyPhen-2: "Benign"; Align-GVGD: "Class C0"). ClinVar contains an entry for this variant (Variation ID: 1022551). This variant has not been reported in the literature in individuals affected with MYL3-related conditions. This variant is not present in population databases (gnomAD no frequency). This sequence change replaces threonine, which is neutral and polar, with arginine, which is basic and polar, at codon 165 of the MYL3 protein (p.Thr165Arg).

NM_000258.3(MYL3):c.494C>G (p.Thr165Arg)

Gene: MYL3 (myosin light chain 3; minus strand). Cytogenetic location: 3p21.31.
Variant type: single nucleotide variant.
Coding change: c.494C>G on transcript NM_000258.3 (MANE Select); coding-DNA position 494, C replaced by G.
Protein change: p.Thr165Arg; replaces threonine 165 with arginine.
Molecular consequence: missense variant.
Genome position (GRCh38, 1-based): chr3:46,858,449, G>C on the plus strand (C>G on the coding strand, the complement: MYL3 is on the minus strand). VCF-style: chr3-46858449-G-C. GRCh37 (hg19) VCF-style: chr3-46899939-G-C.
Other names: c.494C>G (NM_000258.2); short protein forms T165R.
Identifiers: ClinVar variation 1022551 (VCV001022551.7), dbSNP rs1701956180, ClinGen allele CA352495585.